The following is an entry in ClinVar:

NM_014384.3(ACAD8):c.233T>C (p.Met78Thr)

Gene: ACAD8 (acyl-CoA dehydrogenase family member 8; plus strand). Cytogenetic location: 11q25.
Variant type: single nucleotide variant.
Coding change: c.233T>C on transcript NM_014384.3 (MANE Select); coding-DNA position 233, T replaced by C.
Protein change: p.Met78Thr; replaces methionine 78 with threonine.
Molecular consequence: missense variant.
Genome position (GRCh38, 1-based): chr11:134,257,110, T>C. VCF-style: chr11-134257110-T-C. GRCh37 (hg19) VCF-style: chr11-134127004-T-C.
Other names: short protein forms M78T.
Identifiers: ClinVar variation 430160 (VCV000430160.17), dbSNP rs767613745, ClinGen allele CA6372883.

ClinVar aggregate classification (germline): Conflicting classifications of pathogenicity. Review status: criteria provided, conflicting classifications (1 of 4 stars). 3 submissions from 3 submitters: Likely pathogenic (1); Uncertain significance (1). 1 of the submissions does not count toward it. Last evaluated 2026-09-30.

Conditions:
ACAD8-related disorder. Also called: ACAD8-related condition.
Deficiency of isobutyryl-CoA dehydrogenase. Also called: ACAD8 DEFICIENCY; ACYL-CoA DEHYDROGENASE FAMILY, MEMBER 8, DEFICIENCY OF; IBD DEFICIENCY. Identifiers: Orphanet 79159, MedGen C1969809, MONDO:0012648, OMIM 611283.

Allele frequency attached by ClinVar (database versions not stated): ExAC 0.00002; gnomAD exomes 0.00001; TOPMed below 0.00001.
gnomAD v4.1: 6 of 1,614,202 alleles (0.00037%); highest among the groups gnomAD compares: Admixed American, 0.0067%; no homozygotes.

Submissions (3):

GeneDx
Classification: Uncertain significance. Last evaluated: 2026-09-30. Review status: criteria provided, single submitter. Criteria: GeneDx Variant Classification Process June 2021. Collection method: clinical testing. Allele origin: germline.
Comment: Not observed at significant frequency in large population cohorts (gnomAD); In silico analysis supports that this missense variant has a deleterious effect on protein structure/function; This variant is associated with the following publications: (PMID: 33432785, 17304052)

Labcorp Genetics (formerly Invitae), Labcorp
Classification: Likely pathogenic for Deficiency of isobutyryl-CoA dehydrogenase. Last evaluated: 2025-10-01. Review status: criteria provided, single submitter. Criteria: Invitae Variant Classification Sherloc (09022015). Collection method: clinical testing. Allele origin: germline.
Comment: This sequence change replaces methionine, which is neutral and non-polar, with threonine, which is neutral and polar, at codon 78 of the ACAD8 protein (p.Met78Thr). This variant is present in population databases (rs767613745, gnomAD 0.006%). This missense change has been observed in individual(s) with isobutyryl-CoA dehydrogenase deficiency (PMID: 17304052; internal data). This variant is also known as p.Met56Thr. ClinVar contains an entry for this variant (Variation ID: 430160). Invitae Evidence Modeling of protein sequence and biophysical properties (such as structural, functional, and spatial information, amino acid conservation, physicochemical variation, residue mobility, and thermodynamic stability) has been performed for this missense variant. However, the output from this modeling did not meet the statistical confidence thresholds required to predict the impact of this variant on ACAD8 protein function. In summary, the currently available evidence indicates that the variant is pathogenic, but additional data are needed to prove that conclusively. Therefore, this variant has been classified as Likely Pathogenic.

PreventionGenetics, part of Exact Sciences
Classification: Uncertain significance for ACAD8-related condition. Last evaluated: 2024-08-15. Review status: no assertion criteria provided. Collection method: clinical testing. Allele origin: germline. Not counted in ClinVar's aggregate classification.
Comment: The ACAD8 c.233T>C variant is predicted to result in the amino acid substitution p.Met78Thr. This variant was reported a homozygous individual identified through newborn screening for Isobutyryl-CoA dehydrogenase deficiency but had no clinical findings (Oglesbee et al 2007. PubMed ID: 17304052). This variant is reported in 0.0058% of alleles in individuals of Latino descent in gnomAD. At this time, the clinical significance of this variant is uncertain due to the absence of conclusive functional and genetic evidence.

Literature cited by the submitters: PubMed 17304052 (cited by Labcorp Genetics (formerly Invitae), Labcorp).